The following is an entry in ClinVar:

ClinVar aggregate classification (germline): Uncertain significance (1 of 4 stars; one submission).

Conditions:
Hereditary spastic paraplegia 28. Also called: Spastic paraplegia 28, autosomal recessive. Identifiers: Orphanet 101008, MedGen C1836295, MONDO:0012256, OMIM 609340.

Allele frequency attached by ClinVar (database versions not stated): gnomAD exomes below 0.00001; ExAC 0.00001.
gnomAD v4.1: 2 of 1,613,640 alleles (0.00012%); no homozygotes.

Submission:

Labcorp Genetics (formerly Invitae), Labcorp
Classification: Uncertain significance for Hereditary spastic paraplegia 28. Last evaluated: 2021-09-24. Review status: criteria provided, single submitter. Criteria: Invitae Variant Classification Sherloc (09022015). Collection method: clinical testing. Allele origin: germline.
Comment: This sequence change replaces glycine with aspartic acid at codon 421 of the DDHD1 protein (p.Gly421Asp). The glycine residue is highly conserved and there is a moderate physicochemical difference between glycine and aspartic acid. The frequency data for this variant in the population databases is considered unreliable, as metrics indicate poor data quality at this position in the ExAC database. This variant has not been reported in the literature in individuals with DDHD1-related conditions. Algorithms developed to predict the effect of missense changes on protein structure and function (SIFT, PolyPhen-2, Align-GVGD) all suggest that this variant is likely to be disruptive, but these predictions have not been confirmed by published functional studies and their clinical significance is uncertain. In summary, the available evidence is currently insufficient to determine the role of this variant in disease. Therefore, it has been classified as a Variant of Uncertain Significance.

NM_001160148.2(DDHD1):c.1241G>A (p.Gly414Asp)

Gene: DDHD1 (DDHD domain containing 1; minus strand). Cytogenetic location: 14q22.1.
Variant type: single nucleotide variant.
Coding change: c.1241G>A on transcript NM_001160148.2 (MANE Select); coding-DNA position 1241, G replaced by A.
Protein change: p.Gly414Asp; replaces glycine 414 with aspartic acid.
Molecular consequence: missense variant.
Genome position (GRCh38, 1-based): chr14:53,091,833, C>T on the plus strand (G>A on the coding strand, the complement: DDHD1 is on the minus strand). VCF-style: chr14-53091833-C-T. GRCh37 (hg19) VCF-style: chr14-53558551-C-T.
Other names: c.1262G>A, p.Gly421Asp (NM_001160147.2); c.1241G>A, p.Gly414Asp (NM_030637.3); short protein forms G414D, G421D.
Identifiers: ClinVar variation 1378941 (VCV001378941.5), dbSNP rs762316191, ClinGen allele CA7191293.